The following is an entry in ClinVar:

ClinVar aggregate classification (germline): Uncertain significance (1 of 4 stars; one submission).

Allele frequency attached by ClinVar (database versions not stated): gnomAD exomes 0.00001; TOPMed 0.00001; gnomAD 0.00002.
gnomAD v4.1: 20 of 1,613,884 alleles (0.0012%); highest among the groups gnomAD compares: Admixed American, 0.0017%; no homozygotes.

Submission:

Labcorp Genetics (formerly Invitae), Labcorp
Classification: Uncertain significance. Last evaluated: 2022-03-23. Review status: criteria provided, single submitter. Criteria: Invitae Variant Classification Sherloc (09022015). Collection method: clinical testing. Allele origin: germline.
Comment: In summary, the available evidence is currently insufficient to determine the role of this variant in disease. Therefore, it has been classified as a Variant of Uncertain Significance. Algorithms developed to predict the effect of missense changes on protein structure and function (SIFT, PolyPhen-2, Align-GVGD) all suggest that this variant is likely to be tolerated. This variant has not been reported in the literature in individuals affected with SLC24A1-related conditions. This variant is present in population databases (no rsID available, gnomAD 0.003%). This sequence change replaces threonine, which is neutral and polar, with alanine, which is neutral and non-polar, at codon 258 of the SLC24A1 protein (p.Thr258Ala).

NM_004727.3(SLC24A1):c.772A>G (p.Thr258Ala)

Gene: SLC24A1 (solute carrier family 24 member 1; plus strand). Cytogenetic location: 15q22.31.
Variant type: single nucleotide variant.
Coding change: c.772A>G on transcript NM_004727.3 (MANE Select); coding-DNA position 772, A replaced by G.
Protein change: p.Thr258Ala; replaces threonine 258 with alanine.
Molecular consequence: missense variant.
Genome position (GRCh38, 1-based): chr15:65,624,852, A>G. VCF-style: chr15-65624852-A-G. GRCh37 (hg19) VCF-style: chr15-65917190-A-G.
Other names: c.772A>G, p.Thr258Ala (NM_001301031.1, NM_001301032.1, NM_001301033.2); short protein forms T258A.
Identifiers: ClinVar variation 1492537 (VCV001492537.6), dbSNP rs1339246019, ClinGen allele CA392915327.
Genomic context (GRCh38, chr15:65,624,852, plus strand): 5'-AAGAGAATAATGGAGGAAACCACCCCAACCACTCTCAAGGGAATGTTTGATAGCACCCCA[A>G]CTTTTCTGACACATGAGGTAGAAGCAAACGTCTTGACTTCTCCAAGGAGCGTCATGGAAA-3'
Protein context (NP_004718.1, residues 248-268): TLKGMFDSTP[Thr258Ala]FLTHEVEANV